The following is an entry in ClinVar:

ClinVar aggregate classification (germline): Uncertain significance (1 of 4 stars; one submission).

Submission:

GeneDx
Classification: Uncertain significance. Last evaluated: 2024-09-21. Review status: criteria provided, single submitter. Criteria: GeneDx Variant Classification Process June 2021. Collection method: clinical testing. Allele origin: germline. Affected: yes.
Comment: Reported using an alternate transcript of the gene; Not observed at significant frequency in large population cohorts (gnomAD); In silico analysis indicates that this missense variant does not alter protein structure/function; Has not been previously published as pathogenic or benign to our knowledge

NM_001913.5(CUX1):c.1897T>G (p.Phe633Val)

Gene: CUX1 (cut like homeobox 1; plus strand). Cytogenetic location: 7q22.1.
Variant type: single nucleotide variant.
Coding change: c.1897T>G on transcript NM_001913.5 (MANE Plus Clinical); coding-DNA position 1897, T replaced by G.
Protein change: p.Phe633Val; replaces phenylalanine 633 with valine.
Molecular consequence: missense variant.
Genome position (GRCh38, 1-based): chr7:102,281,915, T>G. VCF-style: chr7-102281915-T-G. GRCh37 (hg19) VCF-style: chr7-101925207-T-G.
Other names: c.1849T>G, p.Phe617Val (NM_001202544.3); c.1759T>G, p.Phe587Val (NM_001202545.3); c.1780T>G, p.Phe594Val (NM_001202546.3); c.1891T>G, p.Phe631Val (NM_181500.4); short protein forms F587V, F594V, F617V, F631V, F633V.
Identifiers: ClinVar variation 3774655 (VCV003774655.1).